The following is an entry in ClinVar:

NM_014270.5(SLC7A9):c.411T>G (p.Cys137Trp)

Gene: SLC7A9 (solute carrier family 7 member 9; minus strand). Cytogenetic location: 19q13.11.
Variant type: single nucleotide variant.
Coding change: c.411T>G on transcript NM_014270.5 (MANE Select); coding-DNA position 411, T replaced by G.
Protein change: p.Cys137Trp; replaces cysteine 137 with tryptophan.
Molecular consequence: missense variant.
Genome position (GRCh38, 1-based): chr19:32,864,163, A>C on the plus strand (T>G on the coding strand, the complement: SLC7A9 is on the minus strand). VCF-style: chr19-32864163-A-C. GRCh37 (hg19) VCF-style: chr19-33355069-A-C.
Other names: c.411T>G, p.Cys137Trp (NM_001126335.2, NM_001243036.2); short protein forms C137W.
Identifiers: ClinVar variation 829904 (VCV000829904.6), dbSNP rs12150890, ClinGen allele CA9358852.
Genomic context (GRCh38, chr19:32,864,163, plus strand): 5'-GGCGGCGGCCAGGCATTTCACAACGATTTGAGGAGGCTTGCAGCCCACATAGAAGGGCGC[A>C]CACACATACTCGGAGAAGCTGAGGCAGATGATGGCGAAGGACGTGGGCTTAATGACGATC-3'
Protein context (NP_055085.1, residues 127-147): IICLSFSEYV[Cys137Trp]APFYVGCKPP

ClinVar aggregate classification (germline): Uncertain significance. Review status: criteria provided, single submitter (1 of 4 stars). 2 submissions from 2 submitters: Uncertain significance (1). 1 of the submissions does not count toward it. Last evaluated 2022-01-03.

Conditions:
Cystinuria (CSNU). Also called: CYSTINURIA, TYPE I; CYSTINURIA, TYPE II; CYSTINURIA, TYPE III; Cystinuria, non-type I. Identifiers: Orphanet 214, MedGen C0010691, MONDO:0009067, OMIM 220100, HP:0003131.

gnomAD v4.1: 6 of 1,613,716 alleles (0.00037%); highest among the groups gnomAD compares: Non-Finnish European, 0.00051%; no homozygotes.

Submissions (2):

Labcorp Genetics (formerly Invitae), Labcorp
Classification: Uncertain significance. Last evaluated: 2022-01-03. Review status: criteria provided, single submitter. Criteria: Invitae Variant Classification Sherloc (09022015). Collection method: clinical testing. Allele origin: germline.
Comment: This variant is present in population databases (rs12150890, gnomAD 0.004%). This sequence change replaces cysteine, which is neutral and slightly polar, with tryptophan, which is neutral and slightly polar, at codon 137 of the SLC7A9 protein (p.Cys137Trp). This variant has not been reported in the literature in individuals affected with SLC7A9-related conditions. ClinVar contains an entry for this variant (Variation ID: 829904). Algorithms developed to predict the effect of missense changes on protein structure and function are either unavailable or do not agree on the potential impact of this missense change (SIFT: "Deleterious"; PolyPhen-2: "Possibly Damaging"; Align-GVGD: "Class C0"). In summary, the available evidence is currently insufficient to determine the role of this variant in disease. Therefore, it has been classified as a Variant of Uncertain Significance.

Bioscientia Institut fuer Medizinische Diagnostik GmbH, Sonic Healthcare
Classification: Likely pathogenic for Cystinuria. Last evaluated: 2019-10-17. Review status: no assertion criteria provided. Collection method: clinical testing. Allele origin: germline. Affected: yes. Not counted in ClinVar's aggregate classification.